The following is an entry in ClinVar:

NM_001017995.3(SH3PXD2B):c.1063-9T>C

Gene: SH3PXD2B (SH3 and PX domains 2B; minus strand). Cytogenetic location: 5q35.1.
Variant type: single nucleotide variant.
Coding change: c.1063-9T>C on transcript NM_001017995.3 (MANE Select); 9 bases into the intron before coding-DNA position 1063, T replaced by C.
Molecular consequence: intron variant.
Genome position (GRCh38, 1-based): chr5:172,346,270, A>G on the plus strand (T>C on the coding strand, the complement: SH3PXD2B is on the minus strand). VCF-style: chr5-172346270-A-G. GRCh37 (hg19) VCF-style: chr5-171773274-A-G.
Other names: c.1063-9T>C (NM_001308175.2).
Identifiers: ClinVar variation 194012 (VCV000194012.16), dbSNP rs189684298, ClinGen allele CA200914.

ClinVar aggregate classification (germline): Benign. Review status: criteria provided, multiple submitters, no conflicts (2 of 4 stars). 4 submissions from 4 submitters: Benign (4). Last evaluated 2025-09-06.

Conditions:
Frank-Ter Haar syndrome. Also called: TER HAAR SYNDROME; MELNICK-NEEDLES SYNDROME, AUTOSOMAL RECESSIVE; Borrone di Rocco Crovato syndrome; BORRONE DERMATOCARDIOSKELETAL SYNDROME. Identifiers: Orphanet 1266, Orphanet 137834, MedGen C1855305, MONDO:0009579, OMIM 249420.

Allele frequency attached by ClinVar (database versions not stated): ExAC 0.00350; gnomAD exomes 0.00288 and 0.00107; 1000 Genomes Project 0.01118; gnomAD 0.01238 and 0.01136; 1000 Genomes Project 30x 0.01234; TOPMed 0.01299.
gnomAD v4.1: 3,375 of 1,613,504 alleles (0.21%); highest among the groups gnomAD compares: African/African-American, 4.1%; 79 homozygotes.

Submissions (4):

Labcorp Genetics (formerly Invitae), Labcorp
Classification: Benign. Last evaluated: 2025-09-06. Review status: criteria provided, single submitter. Criteria: Invitae Variant Classification Sherloc (09022015). Collection method: clinical testing. Allele origin: germline.

GeneDx
Classification: Benign. Last evaluated: 2020-06-10. Review status: criteria provided, single submitter. Criteria: GeneDx Variant Classification Process June 2021. Collection method: clinical testing. Allele origin: germline. Affected: yes.

Illumina Laboratory Services, Illumina
Classification: Benign for Frank-Ter Haar syndrome. Last evaluated: 2018-01-13. Review status: criteria provided, single submitter. Criteria: ICSL Variant Classification Criteria 13 December 2019. Collection method: clinical testing. Allele origin: germline.
Comment: This variant was observed in the ICSL laboratory as part of a predisposition screen in an ostensibly healthy population. It had not been previously curated by ICSL or reported in the Human Gene Mutation Database (HGMD: prior to June 1st, 2018), and was therefore a candidate for classification through an automated scoring system. Utilizing variant allele frequency, disease prevalence and penetrance estimates, and inheritance mode, an automated score was calculated to assess if this variant is too frequent to cause the disease. Based on the score and internal cut-off values, a variant classified as benign is not then subjected to further curation. The score for this variant resulted in a classification of benign for this disease.

Eurofins Ntd Llc (ga)
Classification: Benign. Last evaluated: 2014-12-09. Review status: criteria provided, single submitter. Criteria: EGL Classification Definitions 2015. Collection method: clinical testing. Allele origin: germline.